The following is an entry in ClinVar:

ClinVar aggregate classification (germline): Uncertain significance (1 of 4 stars; one submission).

Conditions:
Epidermolysis bullosa simplex 5B, with muscular dystrophy (EBS5B). Also called: Epidermolysis bullosa simplex with muscular dystrophy; EPIDERMOLYSIS BULLOSA SIMPLEX AND LIMB-GIRDLE MUSCULAR DYSTROPHY. Identifiers: Orphanet 257, MedGen C2931072, MONDO:0009181, OMIM 226670.
Epidermolysis bullosa simplex, Ogna type (EBS5A). Also called: Pidermolysis bullosa simplex 5A, Ogna type; EPIDERMOLYSIS BULLOSA SIMPLEX 5A, OGNA TYPE. Identifiers: Orphanet 79401, MedGen C0432317, MONDO:0007555, OMIM 131950.
Epidermolysis bullosa simplex with nail dystrophy (EBS5D). Identifiers: MedGen C4225309, MONDO:0014661, OMIM 616487.
Epidermolysis bullosa simplex 5C, with pyloric atresia (EBS5C). Also called: Epidermolysis bullosa simplex with pyloric atresia; PLEC-Related Epidermolysis Bullosa with Pyloric Atresia; PLEC1-Related Epidermolysis Bullosa with Pyloric Atresia. Identifiers: Orphanet 158684, MedGen C2677349, MONDO:0012807, OMIM 612138.
Autosomal recessive limb-girdle muscular dystrophy type 2Q (LGMDR17). Also called: MUSCULAR DYSTROPHY, LIMB-GIRDLE, AUTOSOMAL RECESSIVE 17. Identifiers: Orphanet 254361, MedGen C3150989, MONDO:0013390, OMIM 613723.

Submission:

Labcorp Genetics (formerly Invitae), Labcorp
Classification: Uncertain significance for Autosomal recessive limb-girdle muscular dystrophy type 2Q; Epidermolysis bullosa simplex, Ogna type; Epidermolysis bullosa simplex with nail dystrophy; Epidermolysis bullosa simplex 5C, with pyloric atresia; Epidermolysis bullosa simplex 5B, with muscular dystrophy. Last evaluated: 2024-10-29. Review status: criteria provided, single submitter. Criteria: Invitae Variant Classification Sherloc (09022015). Collection method: clinical testing. Allele origin: germline.
Comment: This sequence change replaces aspartic acid, which is acidic and polar, with asparagine, which is neutral and polar, at codon 1850 of the PLEC protein (p.Asp1850Asn). This variant is not present in population databases (gnomAD no frequency). This variant has not been reported in the literature in individuals affected with PLEC-related conditions. ClinVar contains an entry for this variant (Variation ID: 1443028). Experimental studies and prediction algorithms are not available or were not evaluated, and the functional significance of this variant is currently unknown. In summary, the available evidence is currently insufficient to determine the role of this variant in disease. Therefore, it has been classified as a Variant of Uncertain Significance.

NM_201384.3(PLEC):c.5467G>A (p.Asp1823Asn)

Gene: PLEC (plectin; minus strand). Cytogenetic location: 8q24.3.
Variant type: single nucleotide variant.
Coding change: c.5467G>A on transcript NM_201384.3 (MANE Select); coding-DNA position 5467, G replaced by A.
Protein change: p.Asp1823Asn; replaces aspartic acid 1823 with asparagine.
Molecular consequence: missense variant.
Genome position (GRCh38, 1-based): chr8:143,924,462, C>T on the plus strand (G>A on the coding strand, the complement: PLEC is on the minus strand). VCF-style: chr8-143924462-C-T. GRCh37 (hg19) VCF-style: chr8-144998630-C-T.
Other names: c.5548G>A, p.Asp1850Asn (NM_000445.5); c.5425G>A, p.Asp1809Asn (NM_201378.4); c.5401G>A, p.Asp1801Asn (NM_201379.3); c.5878G>A, p.Asp1960Asn (NM_201380.4); c.5371G>A, p.Asp1791Asn (NM_201381.3); c.5467G>A, p.Asp1823Asn (NM_201382.4); c.5479G>A, p.Asp1827Asn (NM_201383.3); short protein forms D1850N, D1809N, D1823N, D1827N, D1791N, D1960N, D1801N.
Identifiers: ClinVar variation 1443028 (VCV001443028.6), dbSNP rs1824179453, ClinGen allele CA372544874.